The following is an entry in ClinVar:

NM_001048174.2(MUTYH):c.815G>A (p.Cys272Tyr)

Gene: MUTYH (mutY DNA glycosylase; minus strand). Cytogenetic location: 1p34.1.
Variant type: single nucleotide variant.
Coding change: c.815G>A on transcript NM_001048174.2 (MANE Select); coding-DNA position 815, G replaced by A.
Protein change: p.Cys272Tyr; replaces cysteine 272 with tyrosine.
Molecular consequence: missense variant. On other transcripts: non-coding transcript variant (2).
Genome position (GRCh38, 1-based): chr1:45,332,200, C>T on the plus strand (G>A on the coding strand, the complement: MUTYH is on the minus strand). VCF-style: chr1-45332200-C-T. GRCh37 (hg19) VCF-style: chr1-45797872-C-T.
Other names: c.815G>A, p.Cys272Tyr (NM_001048171.2, NM_001048173.2, NM_001293195.2); c.818G>A, p.Cys273Tyr (NM_001048172.2); c.899G>A, p.Cys300Tyr (NM_001128425.2); c.860G>A, p.Cys287Tyr (NM_001293190.2); c.848G>A, p.Cys283Tyr (NM_001293191.2); c.539G>A, p.Cys180Tyr (NM_001293192.2, NM_001293196.2); c.470G>A, p.Cys157Tyr (NM_001350650.2, NM_001350651.2); c.890G>A, p.Cys297Tyr (NM_012222.3); short protein forms C157Y, C180Y, C272Y, C273Y, C283Y, C287Y, C297Y, C300Y.
Identifiers: ClinVar variation 1171864 (VCV001171864.6), dbSNP rs1645025596, ClinGen allele CA340134402.

ClinVar aggregate classification (germline): Conflicting classifications of pathogenicity. Review status: criteria provided, conflicting classifications (1 of 4 stars). 3 submissions from 3 submitters: Likely pathogenic (2); Uncertain significance (1). Last evaluated 2026-08-27.

Conditions:
Familial adenomatous polyposis 2. Also called: COLORECTAL ADENOMATOUS POLYPOSIS, AUTOSOMAL RECESSIVE; ADENOMAS, MULTIPLE COLORECTAL, AUTOSOMAL RECESSIVE; MUTYH-associated polyposis; MUTYH-related attenuated familial adenomatous polyposis; MYH-associated polyposis; MUTYH Polyposis. Identifiers: Orphanet 220460, Orphanet 247798, MedGen C3272841, MONDO:0012041, OMIM 608456.
Hereditary cancer-predisposing syndrome. Also called: Hereditary Cancer Syndrome; Hereditary neoplastic syndrome; Neoplastic Syndromes, Hereditary; Tumor predisposition. Identifiers: Orphanet 140162, MedGen C0027672, MeSH D009386, MONDO:0015356.

Submissions (3):

Myriad Genetics, Inc.
Classification: Likely pathogenic for Familial adenomatous polyposis 2. Last evaluated: 2026-08-27. Review status: criteria provided, single submitter. Criteria: Myriad Autosomal Dominant, Autosomal Recessive and X-Linked Classification Criteria (2023). Collection method: clinical testing. Allele origin: unknown.
Comment: This variant is considered likely pathogenic. Functional studies indicate this variant impacts protein function [PMID: 40738107]. This variant is expected to disrupt protein structure [Myriad internal data].

Ambry Genetics
Classification: Likely pathogenic for Hereditary cancer-predisposing syndrome. Last evaluated: 2025-08-15. Review status: criteria provided, single submitter. Criteria: Ambry Variant Classification Scheme 2023. Collection method: clinical testing. Allele origin: germline.
Comment: The p.C300Y variant (also known as c.899G>A), located in coding exon 10 of the MUTYH gene, results from a G to A substitution at nucleotide position 899. The cysteine at codon 300 is replaced by tyrosine, an amino acid with highly dissimilar properties. In a massively parallel cell-based functional assay testing 7,8-dihydro-8- oxoguanine:adenine (8OG:A) repair activity, a byproduct of oxidative damage, this variant was reported to be non-functional (Hemker SL et al. Am J Hum Genet. Published online July 29, 2025. DOI: 10.1016/j.ajhg.2025.07.005). This amino acid position is highly conserved in available vertebrate species. In addition, this alteration is predicted to be deleterious by in silico analysis. This variant is considered to be rare based on population cohorts in the Genome Aggregation Database (gnomAD). Based on the majority of available evidence to date, this variant is likely to be pathogenic.

Color Diagnostics, LLC DBA Color Health
Classification: Uncertain significance for Hereditary cancer-predisposing syndrome. Last evaluated: 2024-03-07. Review status: criteria provided, single submitter. Criteria: ACMG Guidelines, 2015. Collection method: clinical testing. Allele origin: germline.
Comment: This missense variant replaces cysteine with tyrosine at codon 300 of the MUTYH protein. Computational prediction suggests that this variant may have deleterious impact on protein structure and function (internally defined REVEL score threshold >= 0.7, PMID: 27666373). To our knowledge, functional studies have not been reported for this variant. This variant has not been reported in individuals affected with hereditary cancer in the literature. This variant has not been identified in the general population by the Genome Aggregation Database (gnomAD). The available evidence is insufficient to determine the role of this variant in disease conclusively. Therefore, this variant is classified as a Variant of Uncertain Significance.

Literature cited by the submitters: PubMed 40738107 (cited by Myriad Genetics, Inc. and Ambry Genetics).